The following is an entry in ClinVar:

ClinVar aggregate classification (germline): Uncertain significance (1 of 4 stars; one submission).

Conditions:
Holoprosencephaly 9 (HPE9). Also called: PITUITARY ANOMALIES WITH HOLOPROSENCEPHALY-LIKE FEATURES; HOLOPROSENCEPHALY WITH MICROPHTHALMIA AND FIRST BRANCHIAL ARCH ANOMALIES. Identifiers: Orphanet 2162, MedGen C1835819, MONDO:0012563, OMIM 610829.
Postaxial polydactyly-anterior pituitary anomalies-facial dysmorphism syndrome. Also called: Culler-Jones syndrome. Identifiers: Orphanet 420584, MedGen C4014479, MONDO:0014369, OMIM 615849.

Submission:

Labcorp Genetics (formerly Invitae), Labcorp
Classification: Uncertain significance for Postaxial polydactyly-anterior pituitary anomalies-facial dysmorphism syndrome; Holoprosencephaly 9. Last evaluated: 2025-02-03. Review status: criteria provided, single submitter. Criteria: Invitae Variant Classification Sherloc (09022015). Collection method: clinical testing. Allele origin: germline.
Comment: This sequence change replaces methionine, which is neutral and non-polar, with threonine, which is neutral and polar, at codon 1571 of the GLI2 protein (p.Met1571Thr). This variant is not present in population databases (gnomAD no frequency). This variant has not been reported in the literature in individuals affected with GLI2-related conditions. Invitae Evidence Modeling of protein sequence and biophysical properties (such as structural, functional, and spatial information, amino acid conservation, physicochemical variation, residue mobility, and thermodynamic stability) indicates that this missense variant is expected to disrupt GLI2 protein function with a positive predictive value of 80%. In summary, the available evidence is currently insufficient to determine the role of this variant in disease. Therefore, it has been classified as a Variant of Uncertain Significance.

NM_001374353.1(GLI2):c.4661T>C (p.Met1554Thr)

Gene: GLI2 (GLI family zinc finger 2; plus strand). Cytogenetic location: 2q14.2.
Variant type: single nucleotide variant.
Coding change: c.4661T>C on transcript NM_001374353.1 (MANE Select); coding-DNA position 4661, T replaced by C.
Protein change: p.Met1554Thr; replaces methionine 1554 with threonine.
Molecular consequence: missense variant.
Genome position (GRCh38, 1-based): chr2:120,990,626, T>C. VCF-style: chr2-120990626-T-C. GRCh37 (hg19) VCF-style: chr2-121748202-T-C.
Other names: c.4712T>C, p.Met1571Thr (NM_001371271.1, NM_005270.5); c.4286T>C, p.Met1429Thr (NM_001374354.1); short protein forms M1429T, M1554T, M1571T.
Identifiers: ClinVar variation 3762438 (VCV003762438.2).
Genomic context (GRCh38, chr2:120,990,626, plus strand): 5'-TGACCCTGCCCTCCATCCCCGCAGGCATCAGCAACATGGCTGTCGGGGACATGAGCTCCA[T>C]GCTCACCAGCCTCGCCGAGGAGAGCAAGTTCCTGAACATGATGACCTAGAGGCCCGAGCG-3'
Protein context (NP_001361282.1, residues 1544-1564): SNMAVGDMSS[Met1554Thr]LTSLAEESKF